The following is an entry in ClinVar:

NM_025176.6(NINL):c.2552C>T (p.Pro851Leu)

Gene: NINL (ninein like; minus strand). Cytogenetic location: 20p11.21.
Variant type: single nucleotide variant.
Coding change: c.2552C>T on transcript NM_025176.6 (MANE Select); coding-DNA position 2552, C replaced by T.
Protein change: p.Pro851Leu; replaces proline 851 with leucine.
Molecular consequence: missense variant. On other transcripts: intron variant (1).
Genome position (GRCh38, 1-based): chr20:25,476,739, G>A on the plus strand (C>T on the coding strand, the complement: NINL is on the minus strand). VCF-style: chr20-25476739-G-A. GRCh37 (hg19) VCF-style: chr20-25457375-G-A.
Other names: c.2201+2184C>T (NM_001318226.2); short protein forms P851L.
Identifiers: ClinVar variation 3046923 (VCV003046923.2), dbSNP rs199888621, ClinGen allele CA9797269.

ClinVar aggregate classification (germline): Likely benign (0 of 4 stars; one submission).

Conditions:
NINL-related disorder. Also called: NINL-related condition.

Allele frequency attached by ClinVar (database versions not stated): gnomAD exomes 0.00010; gnomAD 0.00015; TOPMed 0.00019; ExAC 0.00029; 1000 Genomes Project 0.00100; 1000 Genomes Project 30x 0.00109.
gnomAD v4.1: 217 of 1,606,812 alleles (0.014%); highest among the groups gnomAD compares: East Asian, 0.32%; 2 homozygotes.

Submission:

PreventionGenetics, part of Exact Sciences
Classification: Likely benign for NINL-related condition. Last evaluated: 2022-03-18. Review status: no assertion criteria provided. Collection method: clinical testing. Allele origin: germline.
Comment: This variant is classified as likely benign based on ACMG/AMP sequence variant interpretation guidelines (Richards et al. 2015 PMID: 25741868, with internal and published modifications).